The following is an entry in ClinVar:

NM_212482.4(FN1):c.5068A>G (p.Ile1690Val)

Gene: FN1 (fibronectin 1; minus strand). Cytogenetic location: 2q35.
Variant type: single nucleotide variant.
Coding change: c.5068A>G on transcript NM_212482.4 (MANE Select); coding-DNA position 5068, A replaced by G.
Protein change: p.Ile1690Val; replaces isoleucine 1690 with valine.
Molecular consequence: missense variant.
Genome position (GRCh38, 1-based): chr2:215,382,308, T>C on the plus strand (A>G on the coding strand, the complement: FN1 is on the minus strand). VCF-style: chr2-215382308-T-C. GRCh37 (hg19) VCF-style: chr2-216247031-T-C.
Other names: c.5068A>G, p.Ile1690Val (NM_001306129.2, NM_001306130.2, NM_001365517.2 and 3 more transcripts); c.4795A>G, p.Ile1599Val (NM_001306131.2, NM_001306132.2, NM_001365518.2 and 7 more transcripts); short protein forms I1599V, I1690V.
Identifiers: ClinVar variation 2314362 (VCV002314362.3), dbSNP rs544417734, ClinGen allele CA2094238.

ClinVar aggregate classification (germline): Uncertain significance. Review status: criteria provided, multiple submitters, no conflicts (2 of 4 stars). 2 submissions from 2 submitters: Uncertain significance (2). Last evaluated 2025-02-03.

Conditions:
Inborn genetic diseases. Identifiers: MedGen C0950123, MeSH D030342.

Allele frequency attached by ClinVar (database versions not stated): gnomAD exomes 0.00001; ExAC 0.00003; 1000 Genomes Project 30x 0.00016; 1000 Genomes Project 0.00020.
gnomAD v4.1: 10 of 1,612,124 alleles (0.00062%); highest among the groups gnomAD compares: African/African-American, 0.0027%; no homozygotes.

Submissions (2):

Labcorp Genetics (formerly Invitae), Labcorp
Classification: Uncertain significance. Last evaluated: 2025-02-03. Review status: criteria provided, single submitter. Criteria: Invitae Variant Classification Sherloc (09022015). Collection method: clinical testing. Allele origin: germline.
Comment: This sequence change replaces isoleucine, which is neutral and non-polar, with valine, which is neutral and non-polar, at codon 1690 of the FN1 protein (p.Ile1690Val). This variant is present in population databases (rs544417734, gnomAD 0.01%). This variant has not been reported in the literature in individuals affected with FN1-related conditions. ClinVar contains an entry for this variant (Variation ID: 2314362). An algorithm developed to predict the effect of missense changes on protein structure and function (PolyPhen-2) suggests that this variant is likely to be disruptive. In summary, the available evidence is currently insufficient to determine the role of this variant in disease. Therefore, it has been classified as a Variant of Uncertain Significance.

Ambry Genetics
Classification: Uncertain significance for Inborn genetic diseases. Last evaluated: 2022-09-28. Review status: criteria provided, single submitter. Criteria: Ambry Variant Classification Scheme 2023. Collection method: clinical testing. Allele origin: germline.